The following is an entry in ClinVar:

NM_001330.5(CTF1):c.584TGC[3] (p.Leu196dup)

Genes: CTF1 (cardiotrophin 1; plus strand), LOC130058878 (ATAC-STARR-seq lymphoblastoid silent region 7400; plus strand). Cytogenetic location: 16p11.2.
Variant type: Microsatellite.
Coding change: c.584TGC[3] on transcript NM_001330.5 (MANE Select); three copies in a row of the 3-base unit TGC starting at c.584; the reference has two copies in a row; one copy, 3 bases duplicated.
Protein change: p.Leu196dup; duplicates leucine 196.
Molecular consequence: inframe insertion. On other transcripts: non-coding transcript variant (1).
Genome position (GRCh38, 1-based): chr16:30,902,520-30,902,522, TGC duplicated; duplicating any 3 consecutive bases within chr16:30,902,515-30,902,522 gives the same sequence; the position shown is the placement nearest the transcript's 3' end. VCF-style (leftmost placement, unchanged base first): chr16-30902514-A-AGCT. GRCh37 (hg19) VCF-style: chr16-30913835-A-AGCT.
Other names: c.581TGC[3], p.Leu195dup (NM_001142544.3).
Identifiers: ClinVar variation 962193 (VCV000962193.10), dbSNP rs2055413929, ClinGen allele CA2216765564.

ClinVar aggregate classification (germline): Uncertain significance (1 of 4 stars; one submission).

Submission:

Labcorp Genetics (formerly Invitae), Labcorp
Classification: Uncertain significance. Last evaluated: 2019-09-20. Review status: criteria provided, single submitter. Criteria: Invitae Variant Classification Sherloc (09022015). Collection method: clinical testing. Allele origin: germline.
Comment: In summary, the available evidence is currently insufficient to determine the role of this variant in disease. Therefore, it has been classified as a Variant of Uncertain Significance. Experimental studies and prediction algorithms are not available or were not evaluated for this variant, and the functional significance of this variant is currently unknown. This variant has not been reported in the literature in individuals with CTF1-related conditions. The frequency data for this variant in the population databases is considered unreliable, as metrics indicate insufficient coverage at this position in the ExAC database. This variant, c.587_589dup, results in the insertion of 1 amino acid(s) to the CTF1 protein (p.Leu196dup), but otherwise preserves the integrity of the reading frame.